The following is an entry in ClinVar:

NM_000342.4(SLC4A1):c.1943G>A (p.Trp648Ter)

Gene: SLC4A1 (solute carrier family 4 member 1 (Diego blood group); minus strand). Cytogenetic location: 17q21.31.
Variant type: single nucleotide variant.
Coding change: c.1943G>A on transcript NM_000342.4 (MANE Select); coding-DNA position 1943, G replaced by A.
Protein change: p.Trp648Ter; replaces tryptophan 648 with a stop codon.
Molecular consequence: nonsense.
Genome position (GRCh38, 1-based): chr17:44,254,610, C>T on the plus strand (G>A on the coding strand, the complement: SLC4A1 is on the minus strand). VCF-style: chr17-44254610-C-T. GRCh37 (hg19) VCF-style: chr17-42331978-C-T.
Other names: short protein forms W648*.
Identifiers: ClinVar variation 2116827 (VCV002116827.4), dbSNP rs2509962645, ClinGen allele CA399783255.

ClinVar aggregate classification (germline): Pathogenic (1 of 4 stars; one submission).

Submission:

Labcorp Genetics (formerly Invitae), Labcorp
Classification: Pathogenic. Last evaluated: 2022-04-04. Review status: criteria provided, single submitter. Criteria: Invitae Variant Classification Sherloc (09022015). Collection method: clinical testing. Allele origin: germline.
Comment: This sequence change creates a premature translational stop signal (p.Trp648*) in the SLC4A1 gene. It is expected to result in an absent or disrupted protein product. Loss-of-function variants in SLC4A1 are known to be pathogenic (PMID: 25957428, 8943874, 23255290, 10926824). This variant is not present in population databases (gnomAD no frequency). This variant has not been reported in the literature in individuals affected with SLC4A1-related conditions. For these reasons, this variant has been classified as Pathogenic.

Literature cited by the submitters: PubMed 25957428; PubMed 8943874; PubMed 23255290; PubMed 10926824.